The following is an entry in ClinVar:

ClinVar aggregate classification (germline): Uncertain significance. Review status: criteria provided, multiple submitters, no conflicts (2 of 4 stars). 2 submissions from 2 submitters: Uncertain significance (2). Last evaluated 2025-08-25.

Conditions:
Inborn genetic diseases. Identifiers: MedGen C0950123, MeSH D030342.

Allele frequency attached by ClinVar (database versions not stated): ExAC 0.00001; TOPMed 0.00002.
gnomAD v4.1: 10 of 1,613,484 alleles (0.00062%); highest among the groups gnomAD compares: Middle Eastern, 0.017%; no homozygotes.

Submissions (3):

Ambry Genetics
Classification: Uncertain significance for Inborn genetic diseases. Last evaluated: 2025-08-25. Review status: criteria provided, single submitter. Criteria: Ambry Variant Classification Scheme 2023. Collection method: clinical testing. Allele origin: germline.

Labcorp Genetics (formerly Invitae), Labcorp
Classification: Uncertain significance. Last evaluated: 2022-10-24. Review status: criteria provided, single submitter. Criteria: Invitae Variant Classification Sherloc (09022015). Collection method: clinical testing. Allele origin: germline.
Comment: This sequence change replaces arginine, which is basic and polar, with glutamine, which is neutral and polar, at codon 1201 of the TTC37 protein (p.Arg1201Gln). This variant is present in population databases (rs752486197, gnomAD 0.009%). This variant has not been reported in the literature in individuals affected with TTC37-related conditions. Algorithms developed to predict the effect of missense changes on protein structure and function are either unavailable or do not agree on the potential impact of this missense change (SIFT: "Deleterious"; PolyPhen-2: "Benign"; Align-GVGD: "Class C0"). In summary, the available evidence is currently insufficient to determine the role of this variant in disease. Therefore, it has been classified as a Variant of Uncertain Significance.

Dr. Peter K. Rogan Lab, Western University
No classification provided (evidence only). Condition: Uterine corpus endometrial carcinoma. Review status: no classification provided. Collection method: in vitro. Allele origin: not applicable. Functional consequence: retained intron. Not counted in ClinVar's aggregate classification.

NM_014639.4(SKIC3):c.3602G>A (p.Arg1201Gln)

Gene: SKIC3 (SKI3 subunit of superkiller complex; minus strand). Cytogenetic location: 5q15.
Variant type: single nucleotide variant.
Coding change: c.3602G>A on transcript NM_014639.4 (MANE Select); coding-DNA position 3602, G replaced by A.
Protein change: p.Arg1201Gln; replaces arginine 1201 with glutamine.
Molecular consequence: missense variant.
Genome position (GRCh38, 1-based): chr5:95,497,450, C>T on the plus strand (G>A on the coding strand, the complement: SKIC3 is on the minus strand). VCF-style: chr5-95497450-C-T. GRCh37 (hg19) VCF-style: chr5-94833154-C-T.
Other names: short protein forms R1201Q.
Identifiers: ClinVar variation 2413573 (VCV002413573.5), dbSNP rs752486197, ClinGen allele CA3346674.
Genomic context (GRCh38, chr5:95,497,450, plus strand): 5'-TGCTAGAATTTGAAACGTTACTTTACCTTTGCATTTCGTTGAGCATACTGTGCAACAACT[C>T]GAGACAACAGAGACCAAAGAGCAGGGTCACCAGGGTTGCTAAAGGAATCAAAAGTAGCAG-3'
Protein context (NP_055454.1, residues 1191-1211): GDPALWSLLS[Arg1201Gln]VVAQYAQRNA